The following is an entry in ClinVar:

NM_004744.5(LRAT):c.99C>A (p.Asp33Glu)

Gene: LRAT (lecithin retinol acyltransferase; plus strand). Cytogenetic location: 4q32.1.
Variant type: single nucleotide variant.
Coding change: c.99C>A on transcript NM_004744.5 (MANE Select); coding-DNA position 99, C replaced by A.
Protein change: p.Asp33Glu; replaces aspartic acid 33 with glutamic acid.
Molecular consequence: missense variant.
Genome position (GRCh38, 1-based): chr4:154,744,425, C>A. VCF-style: chr4-154744425-C-A. GRCh37 (hg19) VCF-style: chr4-155665577-C-A.
Other names: c.99C>A, p.Asp33Glu (NM_001301645.2); short protein forms D33E.
Identifiers: ClinVar variation 961046 (VCV000961046.7), dbSNP rs1732834528, ClinGen allele CA358629969.

ClinVar aggregate classification (germline): Uncertain significance (1 of 4 stars; one submission).

Submission:

Labcorp Genetics (formerly Invitae), Labcorp
Classification: Uncertain significance. Last evaluated: 2021-08-30. Review status: criteria provided, single submitter. Criteria: Invitae Variant Classification Sherloc (09022015). Collection method: clinical testing. Allele origin: germline.
Comment: This sequence change replaces aspartic acid with glutamic acid at codon 33 of the LRAT protein (p.Asp33Glu). The aspartic acid residue is weakly conserved and there is a small physicochemical difference between aspartic acid and glutamic acid. This variant is not present in population databases (ExAC no frequency). This variant has not been reported in the literature in individuals affected with LRAT-related conditions. Algorithms developed to predict the effect of missense changes on protein structure and function output the following: SIFT: "Tolerated"; PolyPhen-2: "Benign"; Align-GVGD: "Class C0". The glutamic acid amino acid residue is found in multiple mammalian species, which suggests that this missense change does not adversely affect protein function. In summary, the available evidence is currently insufficient to determine the role of this variant in disease. Therefore, it has been classified as a Variant of Uncertain Significance.